The following is an entry in ClinVar:

NM_001330078.2(NRXN1):c.25G>A (p.Gly9Arg)

Gene: NRXN1 (neurexin 1; minus strand). Cytogenetic location: 2p16.3.
Variant type: single nucleotide variant.
Coding change: c.25G>A on transcript NM_001330078.2 (MANE Select); coding-DNA position 25, G replaced by A.
Protein change: p.Gly9Arg; replaces glycine 9 with arginine.
Molecular consequence: missense variant.
Genome position (GRCh38, 1-based): chr2:51,028,249, C>T on the plus strand (G>A on the coding strand, the complement: NRXN1 is on the minus strand). VCF-style: chr2-51028249-C-T. GRCh37 (hg19) VCF-style: chr2-51255387-C-T.
Other names: c.25G>A, p.Gly9Arg (NM_001135659.3, NM_001330077.2, NM_001330079.2 and 15 more transcripts); short protein forms G9R.
Identifiers: ClinVar variation 1359653 (VCV001359653.8), dbSNP rs1443893312, ClinGen allele CA346824863.

ClinVar aggregate classification (germline): Uncertain significance (1 of 4 stars; one submission).

Conditions:
Pitt-Hopkins-like syndrome 2 (PTHSL2). Identifiers: Orphanet 221150, Orphanet 600663, MedGen C3280479, MONDO:0013690, OMIM 614325.

Allele frequency attached by ClinVar (database versions not stated): TOPMed below 0.00001.
gnomAD v4.1: 6 of 1,461,814 alleles (0.00041%); highest among the groups gnomAD compares: Non-Finnish European, 0.00045%; no homozygotes.

Submission:

Labcorp Genetics (formerly Invitae), Labcorp
Classification: Uncertain significance for Pitt-Hopkins-like syndrome 2. Last evaluated: 2022-08-22. Review status: criteria provided, single submitter. Criteria: Invitae Variant Classification Sherloc (09022015). Collection method: clinical testing. Allele origin: germline.
Comment: This variant has not been reported in the literature in individuals affected with NRXN1-related conditions. This sequence change replaces glycine, which is neutral and non-polar, with arginine, which is basic and polar, at codon 9 of the NRXN1 protein (p.Gly9Arg). This variant is not present in population databases (gnomAD no frequency). ClinVar contains an entry for this variant (Variation ID: 1359653). Algorithms developed to predict the effect of missense changes on protein structure and function (SIFT, PolyPhen-2, Align-GVGD) all suggest that this variant is likely to be tolerated. Algorithms developed to predict the effect of sequence changes on RNA splicing suggest that this variant may create or strengthen a splice site. In summary, the available evidence is currently insufficient to determine the role of this variant in disease. Therefore, it has been classified as a Variant of Uncertain Significance.